The following is an entry in ClinVar:

ClinVar aggregate classification (germline): Uncertain significance. Review status: criteria provided, multiple submitters, no conflicts (2 of 4 stars). 3 submissions from 3 submitters: Uncertain significance (3). Last evaluated 2025-02-07.

Conditions:
Inborn genetic diseases. Identifiers: MedGen C0950123, MeSH D030342.
Trichohepatoenteric syndrome 2 (THES2). Identifiers: Orphanet 84064, MedGen C3281289, MONDO:0013818, OMIM 614602.

Allele frequency attached by ClinVar (database versions not stated): ExAC 0.00003; gnomAD exomes 0.00003 and 0.00008; gnomAD 0.00004; TOPMed 0.00007.
gnomAD v4.1: 119 of 1,612,176 alleles (0.0074%); highest among the groups gnomAD compares: Non-Finnish European, 0.0097%; no homozygotes.

Submissions (3):

Ambry Genetics
Classification: Uncertain significance for Inborn genetic diseases. Last evaluated: 2025-02-07. Review status: criteria provided, single submitter. Criteria: Ambry Variant Classification Scheme 2023. Collection method: clinical testing. Allele origin: germline.

Labcorp Genetics (formerly Invitae), Labcorp
Classification: Uncertain significance. Last evaluated: 2022-06-23. Review status: criteria provided, single submitter. Criteria: Invitae Variant Classification Sherloc (09022015). Collection method: clinical testing. Allele origin: germline.
Comment: This sequence change replaces alanine, which is neutral and non-polar, with valine, which is neutral and non-polar, at codon 565 of the SKIV2L protein (p.Ala565Val). This variant is present in population databases (rs746401418, gnomAD 0.003%). This variant has not been reported in the literature in individuals affected with SKIV2L-related conditions. ClinVar contains an entry for this variant (Variation ID: 356327). Algorithms developed to predict the effect of missense changes on protein structure and function (SIFT, PolyPhen-2, Align-GVGD) all suggest that this variant is likely to be tolerated. In summary, the available evidence is currently insufficient to determine the role of this variant in disease. Therefore, it has been classified as a Variant of Uncertain Significance.

Illumina Laboratory Services, Illumina
Classification: Uncertain significance for Trichohepatoenteric syndrome 2. Last evaluated: 2018-01-13. Review status: criteria provided, single submitter. Criteria: ICSL Variant Classification Criteria 13 December 2019. Collection method: clinical testing. Allele origin: germline.

NM_006929.5(SKIC2):c.1694C>T (p.Ala565Val)

Gene: SKIC2 (SKI2 subunit of superkiller complex; plus strand). Cytogenetic location: 6p21.33.
Variant type: single nucleotide variant.
Coding change: c.1694C>T on transcript NM_006929.5 (MANE Select); coding-DNA position 1694, C replaced by T.
Protein change: p.Ala565Val; replaces alanine 565 with valine.
Molecular consequence: missense variant.
Genome position (GRCh38, 1-based): chr6:31,963,959, C>T. VCF-style: chr6-31963959-C-T. GRCh37 (hg19) VCF-style: chr6-31931736-C-T.
Other names: short protein forms A565V.
Identifiers: ClinVar variation 356327 (VCV000356327.10), dbSNP rs746401418, ClinGen allele CA3729560.